The following is an entry in ClinVar:

NM_003482.4(KMT2D):c.860A>G (p.Lys287Arg)

Gene: KMT2D (lysine methyltransferase 2D; minus strand). Cytogenetic location: 12q13.12.
Variant type: single nucleotide variant.
Coding change: c.860A>G on transcript NM_003482.4 (MANE Select); coding-DNA position 860, A replaced by G.
Protein change: p.Lys287Arg; replaces lysine 287 with arginine.
Molecular consequence: missense variant.
Genome position (GRCh38, 1-based): chr12:49,053,301, T>C on the plus strand (A>G on the coding strand, the complement: KMT2D is on the minus strand). VCF-style: chr12-49053301-T-C. GRCh37 (hg19) VCF-style: chr12-49447084-T-C.
Other names: short protein forms K287R.
Identifiers: ClinVar variation 2695770 (VCV002695770.3), dbSNP rs1233409629, ClinGen allele CA384680160.

ClinVar aggregate classification (germline): Uncertain significance (1 of 4 stars; one submission).

Conditions:
Kabuki syndrome. Also called: NIIKAWA-KUROKI SYNDROME; Kabuki make-up syndrome. Identifiers: Orphanet 2322, MedGen C0796004, MONDO:0016512.

Allele frequency attached by ClinVar (database versions not stated): gnomAD exomes below 0.00001; TOPMed below 0.00001; gnomAD 0.00001.
gnomAD v4.1: 4 of 1,613,780 alleles (0.00025%); highest among the groups gnomAD compares: Non-Finnish European, 0.00034%; no homozygotes.

Submission:

Labcorp Genetics (formerly Invitae), Labcorp
Classification: Uncertain significance for Kabuki syndrome. Last evaluated: 2023-06-06. Review status: criteria provided, single submitter. Criteria: Invitae Variant Classification Sherloc (09022015). Collection method: clinical testing. Allele origin: germline.
Comment: This sequence change replaces lysine, which is basic and polar, with arginine, which is basic and polar, at codon 287 of the KMT2D protein (p.Lys287Arg). This variant is not present in population databases (gnomAD no frequency). This variant has not been reported in the literature in individuals affected with KMT2D-related conditions. Advanced modeling of protein sequence and biophysical properties (such as structural, functional, and spatial information, amino acid conservation, physicochemical variation, residue mobility, and thermodynamic stability) performed at Invitae indicates that this missense variant is not expected to disrupt KMT2D protein function. In summary, the available evidence is currently insufficient to determine the role of this variant in disease. Therefore, it has been classified as a Variant of Uncertain Significance.